The following is an entry in ClinVar:

ClinVar aggregate classification (germline): Likely pathogenic (1 of 4 stars; one submission).

Submission:

Quest Diagnostics Nichols Institute San Juan Capistrano
Classification: Likely pathogenic. Last evaluated: 2021-12-31. Review status: criteria provided, single submitter. Criteria: ACMG/ClinGen CNV Guidelines, 2019. Collection method: clinical testing. Allele origin: unknown.
Comment: The copy number loss of 18q21.32 involves gene MC4R (OMIM 155541). Heterozygous loss-of-function variants of MC4R are associated with autosomal dominant/autosomal recessive obesity specific to the MC4R gene, also referred to as body mass index quantitative trait locus 20 (BMIQ20, OMIM 618406), which is the most common cause of monogenic obesity. Patients have early-onset severe obesity and hyperphagia. There are two similar or larger copy number losses of this region in the general populations of the Database of Genomic Variants. Currently, this copy number loss is best described as a susceptibility locus with variable phenotypic expressivity and incomplete penetrance, possibly influenced by additional genetic and/or non-genetic modifiers. Thus, this copy number variant (CNV) is interpreted as likely pathogenic, although an abnormal phenotype is not fully predictable. References: Abdullah et al., Case Rep Pediatr. 2016;2016:6123150. PMID: 27738543. Drabkin et al., BMC Med Genet. 2018 Aug 2;19(1):135. PMID: 30068297. Farooqi et al., N Engl J Med. 2003 Mar 20;348(12):1085-95. PMID: 12646665. Larsen et al., J Clin Endocrinol Metab. 2005 Jan;90(1):219-24. PMID: 15486053. Sina et al., Am J Hum Genet. 1999 Dec;65(6):1501-7. PMID: 10577903. Stutzmann et al., Diabetes. 2008 Sep;57(9):2511-8. PMID: 18559663. Turner et al., Child Obes. 2015 Apr;11(2):219-23. PMID: 25747306. Wade et al., Nat Med. 2021 Jun;27(6):1088-1096. PMID: 34045736.

GRCh37/hg19 18q21.32(chr18:57894993-58039760)x1

Gene: MC4R (melanocortin 4 receptor; minus strand). Cytogenetic location: 18q21.32.
Variant type: copy number loss.
Change: copy number 1 (one copy instead of two) of chr18:57,894,993-58,039,760 (144.8 kb, GRCh37 coordinates, 1-based), cytogenetic band 18q21.32.
Identifiers: ClinVar variation 1807845 (VCV001807845.1).